The following is an entry in ClinVar:

ClinVar aggregate classification (germline): Pathogenic. Review status: criteria provided, multiple submitters, no conflicts (2 of 4 stars). 2 submissions from 2 submitters: Pathogenic (2). Last evaluated 2026-08-25.

Conditions:
VPS13A-related neurodegenerative disease. Also called: Choreaacanthocytosis; ACANTHOCYTOSIS WITH NEUROLOGIC DISORDER; LEVINE-CRITCHLEY SYNDROME; VPS13A Disease; Choreoacanthocytosis; Chorea-acanthocytosis. Identifiers: Orphanet 2388, MedGen C0393576, MONDO:0008695, OMIM 200150.

Allele frequency attached by ClinVar (database versions not stated): gnomAD exomes below 0.00001.
gnomAD v4.1: 3 of 1,612,790 alleles (0.00019%); highest among the groups gnomAD compares: East Asian, 0.0022%; no homozygotes.

Submissions (2):

Myriad Genetics, Inc.
Classification: Pathogenic for VPS13A-related neurodegenerative disease. Last evaluated: 2026-08-25. Review status: criteria provided, single submitter. Criteria: Myriad Autosomal Dominant, Autosomal Recessive and X-Linked Classification Criteria (2023). Collection method: clinical testing. Allele origin: unknown.
Comment: NM_033305.2(VPS13A):c.1108A>T(K370*) is a nonsense variant classified as pathogenic in the context of VPS13A disease. K370* has been observed in a case with relevant disease (PMID: 34284285). Relevant functional assessments of this variant are not available in the literature. K370* has not been observed in referenced population frequency databases. In summary, NM_033305.2(VPS13A):c.1108A>T(K370*) is a nonsense variant in a gene where loss of function is a known mechanism of disease, is predicted to disrupt protein function, and has been observed more frequently in cases with the relevant disease than in healthy populations. Please note: this variant was assessed in the context of healthy population screening.

Labcorp Genetics (formerly Invitae), Labcorp
Classification: Pathogenic. Last evaluated: 2023-11-06. Review status: criteria provided, single submitter. Criteria: Invitae Variant Classification Sherloc (09022015). Collection method: clinical testing. Allele origin: germline.
Comment: This sequence change creates a premature translational stop signal (p.Lys370*) in the VPS13A gene. It is expected to result in an absent or disrupted protein product. Loss-of-function variants in VPS13A are known to be pathogenic (PMID: 12404112, 21598378). This variant is not present in population databases (gnomAD no frequency). This variant has not been reported in the literature in individuals affected with VPS13A-related conditions. ClinVar contains an entry for this variant (Variation ID: 648063). Algorithms developed to predict the effect of sequence changes on RNA splicing suggest that this variant may disrupt the consensus splice site. For these reasons, this variant has been classified as Pathogenic.

Literature cited by the submitters: PubMed 34284285 (cited by Myriad Genetics, Inc.); PubMed 12404112 (cited by Labcorp Genetics (formerly Invitae), Labcorp); PubMed 21598378 (cited by Labcorp Genetics (formerly Invitae), Labcorp).

NM_033305.3(VPS13A):c.1108A>T (p.Lys370Ter)

Gene: VPS13A (vacuolar protein sorting 13 homolog A; plus strand). Cytogenetic location: 9q21.2.
Variant type: single nucleotide variant.
Coding change: c.1108A>T on transcript NM_033305.3 (MANE Select); coding-DNA position 1108, A replaced by T.
Protein change: p.Lys370Ter; replaces lysine 370 with a stop codon.
Molecular consequence: nonsense.
Genome position (GRCh38, 1-based): chr9:77,221,303, A>T. VCF-style: chr9-77221303-A-T. GRCh37 (hg19) VCF-style: chr9-79836219-A-T.
Other names: c.1108A>T, p.Lys370Ter (NM_001018037.2, NM_001018038.3, NM_015186.4); short protein forms K370*.
Identifiers: ClinVar variation 648063 (VCV000648063.7), dbSNP rs1587358566, ClinGen allele CA373844039.
Genomic context (GRCh38, chr9:77,221,303, plus strand): 5'-TGGTCATGGAAGCATATTAGAAAACATAGGCAAAAAGTGAAGCAATATAAAGAACTGTAT[A>T]AAAAAAAGTTAACAAGTAAGAAGCCACCTGGTGAACTTCTCGTGTCTTTGGAGGTTAGCA-3'